The following is an entry in ClinVar:

ClinVar aggregate classification (germline): Benign (0 of 4 stars; one submission).

Conditions:
SLC44A1-related disorder. Also called: SLC44A1-related condition.

Allele frequency attached by ClinVar (database versions not stated): TOPMed 0.00010; gnomAD 0.00028; gnomAD exomes 0.00044; ExAC 0.00110; 1000 Genomes Project 0.00120; 1000 Genomes Project 30x 0.00125.
gnomAD v4.1: 677 of 1,568,904 alleles (0.043%); highest among the groups gnomAD compares: South Asian, 0.66%; 11 homozygotes.

Submission:

PreventionGenetics, part of Exact Sciences
Classification: Benign for SLC44A1-related condition. Last evaluated: 2019-06-06. Review status: no assertion criteria provided. Collection method: clinical testing. Allele origin: germline.
Comment: This variant is classified as benign based on ACMG/AMP sequence variant interpretation guidelines (Richards et al. 2015 PMID: 25741868, with internal and published modifications).

NM_080546.5(SLC44A1):c.670+9T>C

Gene: SLC44A1 (solute carrier family 44 member 1; plus strand). Cytogenetic location: 9q31.1.
Variant type: single nucleotide variant.
Coding change: c.670+9T>C on transcript NM_080546.5 (MANE Select); 9 bases into the intron after coding-DNA position 670, T replaced by C.
Molecular consequence: intron variant.
Genome position (GRCh38, 1-based): chr9:105,356,390, T>C. VCF-style: chr9-105356390-T-C. GRCh37 (hg19) VCF-style: chr9-108118671-T-C.
Other names: c.670+9T>C (NM_001330731.2, NM_001286730.2).
Identifiers: ClinVar variation 3044954 (VCV003044954.2), dbSNP rs201664137, ClinGen allele CA5169706.